The following is an entry in ClinVar:

ClinVar aggregate classification (germline): Uncertain significance. Review status: criteria provided, multiple submitters, no conflicts (2 of 4 stars). 2 submissions from 2 submitters: Uncertain significance (2). Last evaluated 2023-09-29.

Conditions:
Inborn genetic diseases. Identifiers: MedGen C0950123, MeSH D030342.

Allele frequency attached by ClinVar (database versions not stated): ExAC 0.00001; TOPMed 0.00001; gnomAD 0.00002; gnomAD exomes 0.00007.
gnomAD v4.1: 94 of 1,610,444 alleles (0.0058%); highest among the groups gnomAD compares: Non-Finnish European, 0.008%; no homozygotes.

Submissions (2):

Ambry Genetics
Classification: Uncertain significance for Inborn genetic diseases. Last evaluated: 2023-09-29. Review status: criteria provided, single submitter. Criteria: Ambry Variant Classification Scheme 2023. Collection method: clinical testing. Allele origin: germline.

Labcorp Genetics (formerly Invitae), Labcorp
Classification: Uncertain significance. Last evaluated: 2022-01-26. Review status: criteria provided, single submitter. Criteria: Invitae Variant Classification Sherloc (09022015). Collection method: clinical testing. Allele origin: germline.
Comment: This sequence change replaces arginine, which is basic and polar, with isoleucine, which is neutral and non-polar, at codon 404 of the GALNT2 protein (p.Arg404Ile). This variant is present in population databases (rs778173705, gnomAD 0.006%). This variant has not been reported in the literature in individuals affected with GALNT2-related conditions. Algorithms developed to predict the effect of missense changes on protein structure and function are either unavailable or do not agree on the potential impact of this missense change (SIFT: "Deleterious"; PolyPhen-2: "Benign"; Align-GVGD: "Class C35"). In summary, the available evidence is currently insufficient to determine the role of this variant in disease. Therefore, it has been classified as a Variant of Uncertain Significance.

NM_004481.5(GALNT2):c.1211G>T (p.Arg404Ile)

Gene: GALNT2 (polypeptide N-acetylgalactosaminyltransferase 2; plus strand). Cytogenetic location: 1q42.13.
Variant type: single nucleotide variant.
Coding change: c.1211G>T on transcript NM_004481.5 (MANE Select); coding-DNA position 1211, G replaced by T.
Protein change: p.Arg404Ile; replaces arginine 404 with isoleucine.
Molecular consequence: missense variant.
Genome position (GRCh38, 1-based): chr1:230,262,647, G>T. VCF-style: chr1-230262647-G-T. GRCh37 (hg19) VCF-style: chr1-230398393-G-T.
Other names: c.1097G>T, p.Arg366Ile (NM_001291866.2); c.1211G>T (NM_004481.3); short protein forms R404I, R366I.
Identifiers: ClinVar variation 1935549 (VCV001935549.5), dbSNP rs778173705, ClinGen allele CA1446426.